The following is an entry in ClinVar:

NM_014956.5(CEP164):c.2280A>G (p.Lys760=)

Gene: CEP164 (centrosomal protein 164; plus strand). Cytogenetic location: 11q23.3.
Variant type: single nucleotide variant.
Coding change: c.2280A>G on transcript NM_014956.5 (MANE Select); coding-DNA position 2280, A replaced by G.
Protein change: p.Lys760=; no amino-acid change (lysine 760 retained).
Molecular consequence: synonymous variant.
Genome position (GRCh38, 1-based): chr11:117,391,212, A>G. VCF-style: chr11-117391212-A-G. GRCh37 (hg19) VCF-style: chr11-117261928-A-G.
Other names: c.2289A>G, p.Lys763= (NM_001271933.2).
Identifiers: ClinVar variation 3052253 (VCV003052253.2), dbSNP rs751238216, ClinGen allele CA6295006.
Genomic context (GRCh38, chr11:117,391,212, plus strand): 5'-GAATGCTGCAAAGGAGAAGGCTCTGCAGCAGCTGAGGGAGCAGCTGGAAGGGGAGAGGAA[A>G]GAAGTGAGCTAGTCAAGTGGGGACCTCACCCTCTGACCTGTGTCTGGGCTGCCTGGGGAG-3'
Protein context (NP_055771.4, residues 750-770): QLREQLEGER[Lys760=]EAVATLEKEH

ClinVar aggregate classification (germline): Likely benign (0 of 4 stars; one submission).

Conditions:
CEP164-related disorder. Also called: CEP164-related condition.

Allele frequency attached by ClinVar (database versions not stated): gnomAD exomes 0.00001; ExAC 0.00003.
gnomAD v4.1: 20 of 1,607,568 alleles (0.0012%); highest among the groups gnomAD compares: Middle Eastern, 0.021%; no homozygotes.

Submission:

PreventionGenetics, part of Exact Sciences
Classification: Likely benign for CEP164-related condition. Last evaluated: 2022-08-06. Review status: no assertion criteria provided. Collection method: clinical testing. Allele origin: germline.
Comment: This variant is classified as likely benign based on ACMG/AMP sequence variant interpretation guidelines (Richards et al. 2015 PMID: 25741868, with internal and published modifications).